The following is an entry in ClinVar:

ClinVar aggregate classification (germline): Likely pathogenic (1 of 4 stars; one submission).

Conditions:
Seizures, benign familial neonatal, 1. Also called: Benign Neonatal Epilepsy 1; KCNQ2-Related Self-Limited Familial Neonatal Epilepsy (SLFNE); Seizures, benign neonatal, 1; KCNQ2-Related Benign Familial Neonatal Epilepsy. Identifiers: Orphanet 1949, MedGen C3149074, MONDO:0007365, OMIM 121200.

Submission:

MGZ Medical Genetics Center
Classification: Likely pathogenic for Seizures, benign familial neonatal, 1. Last evaluated: 2022-08-29. Review status: criteria provided, single submitter. Criteria: ACMG Guidelines, 2015. Collection method: clinical testing. Allele origin: germline. Affected: yes. Observed: 3 variant alleles.
Comment: ACMG criteria applied: PM1, PM2_SUP, PM5_SUP, PP1, PP2, PP3

NM_172107.4(KCNQ2):c.1027G>C (p.Ala343Pro)

Gene: KCNQ2 (potassium voltage-gated channel subfamily Q member 2; minus strand). Cytogenetic location: 20q13.33.
Variant type: single nucleotide variant.
Coding change: c.1027G>C on transcript NM_172107.4 (MANE Select); coding-DNA position 1027, G replaced by C.
Protein change: p.Ala343Pro; replaces alanine 343 with proline.
Molecular consequence: missense variant.
Genome position (GRCh38, 1-based): chr20:63,433,900, C>G on the plus strand (G>C on the coding strand, the complement: KCNQ2 is on the minus strand). VCF-style: chr20-63433900-C-G. GRCh37 (hg19) VCF-style: chr20-62065253-C-G.
Other names: c.1027G>C, p.Ala343Pro (NM_172108.5, NM_172109.3, NM_001382235.1 and 2 more transcripts); short protein forms A343P.
Identifiers: ClinVar variation 1709746 (VCV001709746.2), dbSNP rs2516364978, ClinGen allele CA409651299.